The following is an entry in ClinVar:

NM_000256.3(MYBPC3):c.1828del (p.Asp610fs)

Gene: MYBPC3 (myosin binding protein C3; minus strand). Cytogenetic location: 11p11.2.
Variant type: Deletion.
Coding change: c.1828del on transcript NM_000256.3 (MANE Select); coding-DNA position 1828, one base deleted (G; older notation c.1828delG).
Protein change: p.Asp610fs; shifts the reading frame from aspartic acid 610.
Molecular consequence: frameshift variant.
Genome position (GRCh38, 1-based): chr11:47,341,207, C deleted on the plus strand (G on the coding strand, the reverse complement: MYBPC3 is on the minus strand). VCF-style (leftmost placement, unchanged base first): chr11-47341206-TC-T. GRCh37 (hg19) VCF-style: chr11-47362757-TC-T.
Other names: short protein forms D610fs.
Identifiers: ClinVar variation 2773735 (VCV002773735.3), dbSNP rs2473150513, ClinGen allele CA2697548577.
Genomic context (GRCh38, chr11:47,341,206, plus strand): 5'-TGGAGCTTGGCTGACAGGTTGCAGGCGAAGCCCTCGGGCACAAAGCTGTAGTCAGCCTCG[TC>T]GGCAGGTGTGACGTCGTCAATGGTCAGTTTGTGGACCCTGCAGGGGAGCAGTGGCTCAGG-3'

ClinVar aggregate classification (germline): Pathogenic. Review status: criteria provided, multiple submitters, no conflicts (2 of 4 stars). 2 submissions from 2 submitters: Pathogenic (2). Last evaluated 2023-06-08.

Conditions:
Cardiomyopathy (CMYO). Also called: Cardiomyopathies. Identifiers: Orphanet 167848, MedGen C0878544, MONDO:0004994, HP:0001638. Inheritance: Various modes of inheritance.
Hypertrophic cardiomyopathy. Also called: HYPERTROPHIC MYOCARDIOPATHY. Identifiers: Orphanet 217569, MedGen C0007194, MeSH D002312, MONDO:0005045, HP:0001639.

Submissions (2):

All of Us Research Program, National Institutes of Health
Classification: Pathogenic for Hypertrophic cardiomyopathy. Last evaluated: 2023-06-08. Review status: criteria provided, single submitter. Criteria: ACMG Guidelines, 2015. Collection method: clinical testing. Allele origin: germline. Inheritance: Autosomal dominant inheritance. Observed: 1 variant allele, 1 heterozygote.
Comment: This variant deletes 1 nucleotide in exon 19 of the MYBPC3 gene, creating a frameshift and premature translation stop signal. This variant is expected to result in an absent or non-functional protein product. To our knowledge, this variant has not been reported in individuals affected with cardiovascular disorders in the literature. This variant has not been identified in the general population by the Genome Aggregation Database (gnomAD). Loss of MYBPC3 function is a known mechanism of disease. Based on the available evidence, this variant is classified as Pathogenic.

This study involves interpretation of variants in research participants for the purpose of population health screening. Participant phenotype was not available at the time of variant classification. Additional details can be found in publication PMID: 35346344, PMCID: PMC8962531

Color Diagnostics, LLC DBA Color Health
Classification: Pathogenic for Cardiomyopathy. Last evaluated: 2023-03-15. Review status: criteria provided, single submitter. Criteria: ACMG Guidelines, 2015. Collection method: clinical testing. Allele origin: germline.
Comment: This variant deletes 1 nucleotide in exon 19 of the MYBPC3 gene, creating a frameshift and premature translation stop signal. This variant is expected to result in an absent or non-functional protein product. To our knowledge, this variant has not been reported in individuals affected with cardiovascular disorders in the literature. This variant has not been identified in the general population by the Genome Aggregation Database (gnomAD). Loss of MYBPC3 function is a known mechanism of disease. Based on the available evidence, this variant is classified as Pathogenic.